The following is an entry in ClinVar:

ClinVar aggregate classification (germline): Likely pathogenic. Review status: criteria provided, multiple submitters, no conflicts (2 of 4 stars). 2 submissions from 2 submitters: Likely pathogenic (2). Last evaluated 2025-03-19.

Conditions:
Dilated cardiomyopathy 1G (CMD1G). Identifiers: Orphanet 154, MedGen C1858763, MONDO:0011400, OMIM 604145.
Autosomal recessive limb-girdle muscular dystrophy type 2J (LGMDR10). Also called: Limb-girdle muscular dystrophy, type 2J; MUSCULAR DYSTROPHY, LIMB-GIRDLE, AUTOSOMAL RECESSIVE 10. Identifiers: Orphanet 140922, MedGen C1837342, MONDO:0012127, OMIM 608807.

Submissions (2):

Labcorp Genetics (formerly Invitae), Labcorp
Classification: Likely pathogenic for Dilated cardiomyopathy 1G; Autosomal recessive limb-girdle muscular dystrophy type 2J. Last evaluated: 2025-03-19. Review status: criteria provided, single submitter. Criteria: Invitae Variant Classification Sherloc (09022015). Collection method: clinical testing. Allele origin: germline.
Comment: This sequence change creates a premature translational stop signal (p.Gly19801Valfs*4) in the TTN gene. While this is not anticipated to result in nonsense mediated decay, it is expected to create a truncated TTN protein. This variant is not present in population databases (gnomAD no frequency). This variant has not been reported in the literature in individuals affected with TTN-related conditions. ClinVar contains an entry for this variant (Variation ID: 418687). This variant is located in the A band of TTN (PMID: 25589632). Truncating variants in this region are significantly overrepresented in patients affected with dilated cardiomyopathy (PMID: 25589632). Truncating variants in this region have also been reported in individuals affected with autosomal recessive centronuclear myopathy (PMID: 23975875). In summary, the currently available evidence indicates that the variant is pathogenic, but additional data are needed to prove that conclusively. Therefore, this variant has been classified as Likely Pathogenic.

GeneDx
Classification: Likely pathogenic. Last evaluated: 2023-02-21. Review status: criteria provided, single submitter. Criteria: GeneDx Variant Classification Process June 2021. Collection method: clinical testing. Allele origin: germline. Affected: yes.
Comment: Frameshift variant predicted to result in protein truncation or nonsense mediated decay in a gene for which loss of function is a known mechanism of disease; Not observed at significant frequency in large population cohorts (gnomAD); Has not been previously published as pathogenic or benign to our knowledge; This variant is associated with the following publications: (PMID: 35177841)

Literature cited by the submitters: PubMed 25589632 (cited by Labcorp Genetics (formerly Invitae), Labcorp); PubMed 23975875 (cited by Labcorp Genetics (formerly Invitae), Labcorp).

NM_001267550.2(TTN):c.59402del (p.Gly19801fs)

Genes: TTN-AS1 (TTN antisense RNA 1; plus strand), TTN (titin; minus strand), LOC126806424 (CDK7 strongly-dependent group 2 enhancer GRCh37_chr2:179456337-179457536; plus strand). Cytogenetic location: 2q31.2.
Variant type: Deletion.
Coding change: c.59402del on transcript NM_001267550.2 (MANE Select); coding-DNA position 59402, one base deleted (G; older notation c.59402delG).
Protein change: p.Gly19801fs; shifts the reading frame from glycine 19801.
Molecular consequence: frameshift variant.
Genome position (GRCh38, 1-based): chr2:178,592,603, C deleted on the plus strand (G on the coding strand, the reverse complement: TTN is on the minus strand); the first of 2 consecutive C bases (chr2:178,592,603-178,592,604); deleting either gives the same sequence. VCF-style (leftmost placement, unchanged base first): chr2-178592602-AC-A. GRCh37 (hg19) VCF-style: chr2-179457329-AC-A.
Other names: c.54479del, p.Gly18160fs (NM_001256850.1); c.32207del, p.Gly10736fs (NM_003319.4); c.51698del, p.Gly17233fs (NM_133378.4); c.32582del, p.Gly10861fs (NM_133432.3); c.32783del, p.Gly10928fs (NM_133437.4); c.54479delG (NM_001256850.1); c.59402del (NM_001267550.1); short protein forms G10736fs, G17233fs, G10861fs, G10928fs, G18160fs, G19801fs.
Identifiers: ClinVar variation 418687 (VCV000418687.10), dbSNP rs1064793367, ClinGen allele CA16617368.